The following is an entry in ClinVar:

NM_003579.4(RAD54L):c.286C>G (p.Arg96Gly)

Gene: RAD54L (RAD54 like; plus strand). Cytogenetic location: 1p34.1.
Variant type: single nucleotide variant.
Coding change: c.286C>G on transcript NM_003579.4 (MANE Select); coding-DNA position 286, C replaced by G.
Protein change: p.Arg96Gly; replaces arginine 96 with glycine.
Molecular consequence: missense variant. On other transcripts: 5 prime UTR variant (1).
Genome position (GRCh38, 1-based): chr1:46,259,978, C>G. VCF-style: chr1-46259978-C-G. GRCh37 (hg19) VCF-style: chr1-46725650-C-G.
Other names: c.286C>G, p.Arg96Gly (NM_001142548.2); c.-255C>G (NM_001370766.1); short protein forms R96G.
Identifiers: ClinVar variation 2562796 (VCV002562796.2), dbSNP rs34761954, ClinGen allele CA340181598.

ClinVar aggregate classification (germline): Uncertain significance (1 of 4 stars; one submission).

gnomAD v4.1: 1 of 1,614,032 alleles (0.000062%); no homozygotes.

Submission:

Ambry Genetics
Classification: Uncertain significance. Last evaluated: 2023-04-23. Review status: criteria provided, single submitter. Criteria: Ambry Variant Classification Scheme 2023. Collection method: clinical testing. Allele origin: germline.
Comment: The p.R96G variant (also known as c.286C>G), located in coding exon 5 of the RAD54L gene, results from a C to G substitution at nucleotide position 286. The arginine at codon 96 is replaced by glycine, an amino acid with dissimilar properties. This amino acid position is conserved. In addition, this alteration is predicted to be tolerated by in silico analysis. Since supporting evidence is limited at this time, the clinical significance of this alteration remains unclear.